The following is an entry in ClinVar:

NM_016592.5(GNAS):c.612C>A (p.Pro204=)

Genes: GNAS (GNAS complex locus; plus strand), GNAS-AS1 (GNAS antisense RNA 1; minus strand). Cytogenetic location: 20q13.32.
Variant type: single nucleotide variant.
Coding change: c.612C>A on transcript NM_016592.5 (MANE Plus Clinical); coding-DNA position 612, C replaced by A.
Protein change: p.Pro204=; no amino-acid change (proline 204 retained).
Molecular consequence: synonymous variant. On other transcripts: 5 prime UTR variant (1).
Genome position (GRCh38, 1-based): chr20:58,840,718, C>A. VCF-style: chr20-58840718-C-A. GRCh37 (hg19) VCF-style: chr20-57415773-C-A.
Other names: c.-126C>A (NM_001410912.1).
Identifiers: ClinVar variation 4996493 (VCV004996493.1).
Genomic context (GRCh38, chr20:58,840,718, plus strand): 5'-GCCCCAGAGCCCCAGGGAAGGGGAGGAGCTCAAGCCCGAGGACAAAGATCCAAGGGACCC[C>A]GAAGAGTCGAAGGAGCCCAAGGAGGAGAAGCAGCGGCGTCGCTGCAAGCCAAAGAAGCCC-3'
Protein context (NP_057676.1, residues 194-214): LKPEDKDPRD[Pro204=]EESKEPKEEK

ClinVar aggregate classification (germline): Likely benign (1 of 4 stars; one submission).

Conditions:
GNAS-related disorder. Identifiers: MedGen CN380105.

Submission:

PreventionGenetics, part of Exact Sciences
Classification: Likely benign for GNAS-related condition. Last evaluated: 2026-07-02. Review status: criteria provided, single submitter. Criteria: ACMG Guidelines, 2015. Collection method: clinical testing. Allele origin: germline.
Comment: This variant is classified as likely benign based on ACMG/AMP sequence variant interpretation guidelines (Richards et al. 2015 PMID: 25741868, with internal and published modifications).